The following is an entry in ClinVar:

NM_001148.6(ANK2):c.2770G>A (p.Asp924Asn)

Gene: ANK2 (ankyrin 2; plus strand). Cytogenetic location: 4q26.
Variant type: single nucleotide variant.
Coding change: c.2770G>A on transcript NM_001148.6 (MANE Select); coding-DNA position 2770, G replaced by A.
Protein change: p.Asp924Asn; replaces aspartic acid 924 with asparagine.
Molecular consequence: missense variant.
Genome position (GRCh38, 1-based): chr4:113,317,783, G>A. VCF-style: chr4-113317783-G-A. GRCh37 (hg19) VCF-style: chr4-114238939-G-A.
Other names: c.2707G>A, p.Asp903Asn (NM_001127493.3, NM_001354243.2, NM_001354262.2 and 3 more transcripts); c.2782G>A, p.Asp928Asn (NM_001354225.2); c.2770G>A, p.Asp924Asn (NM_001354228.2, NM_001354232.2, NM_020977.5 and 1 more transcripts); c.2812G>A, p.Asp938Asn (NM_001354230.2, NM_001354231.2, NM_001354237.2 and 1 more transcripts); c.2767G>A, p.Asp923Asn (NM_001354235.2, NM_001354236.2, NM_001354265.2 and 1 more transcripts); c.2704G>A, p.Asp902Asn (NM_001354239.2, NM_001354244.2, NM_001354252.2 and 3 more transcripts); c.2815G>A, p.Asp939Asn (NM_001354240.2, NM_001354241.2, NM_001386144.1); c.2671G>A, p.Asp891Asn (NM_001354245.2, NM_001354268.2); and 17 more; short protein forms D133N, D796N, D829N, D853N, D857N, D862N, D870N, D890N.
Identifiers: ClinVar variation 4540068 (VCV004540068.1).

ClinVar aggregate classification (germline): Uncertain significance (1 of 4 stars; one submission).

Submission:

GeneDx
Classification: Uncertain significance. Last evaluated: 2025-06-20. Review status: criteria provided, single submitter. Criteria: GeneDx Variant Classification Process June 2021. Collection method: clinical testing. Allele origin: germline. Affected: yes.
Comment: Not observed at significant frequency in large population cohorts (gnomAD); In silico analysis supports that this missense variant has a deleterious effect on protein structure/function; Has not been previously published as pathogenic or benign to our knowledge